The following is an entry in ClinVar:

NC_000016.9:g.(?_53674925)_(53734635_?)del

Gene: RPGRIP1L (RPGRIP1 like; minus strand). Cytogenetic location: 16q12.2.
Variant type: Deletion.
Identifiers: ClinVar variation 3243370 (VCV003243370.1).

ClinVar aggregate classification (germline): Pathogenic (1 of 4 stars; one submission).

Conditions:
Joubert syndrome. Also called: CEREBELLOPARENCHYMAL DISORDER IV; JOUBERT-BOLTSHAUSER SYNDROME; Familial aplasia of the vermis. Identifiers: Orphanet 475, MedGen C5979921, MONDO:0018772.
Meckel-Gruber syndrome. Also called: DYSENCEPHALIA SPLANCHNOCYSTICA; GRUBER SYNDROME; Dysencephalia splachnocystica. Identifiers: Orphanet 564, MedGen C0265215, MONDO:0018921.

Submission:

Labcorp Genetics (formerly Invitae), Labcorp
Classification: Pathogenic for Joubert syndrome; Meckel-Gruber syndrome. Last evaluated: 2023-05-21. Review status: criteria provided, single submitter. Criteria: Invitae Variant Classification Sherloc (09022015). Collection method: clinical testing. Allele origin: unknown.
Comment: For these reasons, this variant has been classified as Pathogenic. This variant has not been reported in the literature in individuals affected with RPGRIP1L-related conditions. This variant is a gross deletion of the genomic region encompassing exon(s) 2-19 of the RPGRIP1L gene, which includes the initiator codon. This deletion extends beyond the assayed region for this gene and therefore may encompass additional genes. It is expected to result in an absent or disrupted protein product. Loss-of-function variants in RPGRIP1L are known to be pathogenic (PMID: 17558409).

Literature cited by the submitters: PubMed 17558409.